The following is an entry in ClinVar:

ClinVar aggregate classification (germline): Uncertain significance (1 of 4 stars; one submission).

Conditions:
Syndromic multisystem autoimmune disease due to ITCH deficiency. Also called: AUTOIMMUNE DISEASE, MULTISYSTEM, WITH FACIAL DYSMORPHISM. Identifiers: Orphanet 228426, MedGen C3150649, MONDO:0013245, OMIM 613385.

Submission:

Labcorp Genetics (formerly Invitae), Labcorp
Classification: Uncertain significance for Syndromic multisystem autoimmune disease due to ITCH deficiency. Last evaluated: 2023-09-26. Review status: criteria provided, single submitter. Criteria: Invitae Variant Classification Sherloc (09022015). Collection method: clinical testing. Allele origin: germline.
Comment: This variant has not been reported in the literature in individuals affected with ITCH-related conditions. In summary, the available evidence is currently insufficient to determine the role of this variant in disease. Therefore, it has been classified as a Variant of Uncertain Significance. An algorithm developed to predict the effect of missense changes on protein structure and function (PolyPhen-2) suggests that this variant is likely to be disruptive. This variant is not present in population databases (gnomAD no frequency). This sequence change replaces isoleucine, which is neutral and non-polar, with threonine, which is neutral and polar, at codon 747 of the ITCH protein (p.Ile747Thr).

NM_031483.7(ITCH):c.2240T>C (p.Ile747Thr)

Gene: ITCH (itchy E3 ubiquitin protein ligase; plus strand). Cytogenetic location: 20q11.22.
Variant type: single nucleotide variant.
Coding change: c.2240T>C on transcript NM_031483.7 (MANE Select); coding-DNA position 2240, T replaced by C.
Protein change: p.Ile747Thr; replaces isoleucine 747 with threonine.
Molecular consequence: missense variant.
Genome position (GRCh38, 1-based): chr20:34,489,847, T>C. VCF-style: chr20-34489847-T-C. GRCh37 (hg19) VCF-style: chr20-33077652-T-C.
Other names: c.2363T>C, p.Ile788Thr (NM_001257137.3, NM_001324197.2); c.1910T>C, p.Ile637Thr (NM_001257138.3); c.2240T>C, p.Ile747Thr (NM_001324198.2); short protein forms I788T, I637T, I747T.
Identifiers: ClinVar variation 2717852 (VCV002717852.3), dbSNP rs2515924472, ClinGen allele CA408672488.